The following is an entry in ClinVar:

ClinVar aggregate classification (germline): Uncertain significance (1 of 4 stars; one submission).

Conditions:
Inborn genetic diseases. Identifiers: MedGen C0950123, MeSH D030342.

gnomAD v4.1: 3 of 1,613,316 alleles (0.00019%); highest among the groups gnomAD compares: South Asian, 0.0011%; no homozygotes.

Submission:

Ambry Genetics
Classification: Uncertain significance for Inborn genetic diseases. Last evaluated: 2026-03-26. Review status: criteria provided, single submitter. Criteria: Ambry Variant Classification Scheme 2023. Collection method: clinical testing. Allele origin: germline.
Comment: The c.1165G>A (p.G389S) alteration is located in exon 12 (coding exon 12) of the TBCD gene. This alteration results from a G to A substitution at nucleotide position 1165, causing the glycine (G) at amino acid position 389 to be replaced by a serine (S). Based on data from gnomAD, the A allele has an overall frequency of <0.001% (1/248638) total alleles studied. The highest observed frequency was 0.003% (1/30414) of South Asian alleles. Based on insufficient or conflicting evidence, the clinical significance of this alteration remains unclear.

NM_005993.5(TBCD):c.1165G>A (p.Gly389Ser)

Gene: TBCD (tubulin folding cofactor D). Cytogenetic location: 17q25.3.
Variant type: single nucleotide variant.
Coding change: c.1165G>A on transcript NM_005993.5 (MANE Select); coding-DNA position 1165, G replaced by A.
Protein change: p.Gly389Ser; replaces glycine 389 with serine.
Molecular consequence: missense variant.
Genome position (GRCh38, 1-based): chr17:82,809,724, G>A. VCF-style: chr17-82809724-G-A. GRCh37 (hg19) VCF-style: chr17-80767600-G-A.
Other names: c.1114G>A, p.Gly372Ser (NM_001411101.1); c.1165G>A, p.Gly389Ser (NM_001411102.1, NM_001437989.1); c.976G>A, p.Gly326Ser (NM_001438250.1); short protein forms G326S, G372S, G389S.
Identifiers: ClinVar variation 4865322 (VCV004865322.1).